The following is an entry in ClinVar:

NM_152564.5(VPS13B):c.834G>A (p.Met278Ile)

Gene: VPS13B (vacuolar protein sorting 13 homolog B; plus strand). Cytogenetic location: 8q22.2.
Variant type: single nucleotide variant.
Coding change: c.834G>A on transcript NM_152564.5 (MANE Select); coding-DNA position 834, G replaced by A.
Protein change: p.Met278Ile; replaces methionine 278 with isoleucine.
Molecular consequence: missense variant. On other transcripts: non-coding transcript variant (1).
Genome position (GRCh38, 1-based): chr8:99,115,771, G>A. VCF-style: chr8-99115771-G-A. GRCh37 (hg19) VCF-style: chr8-100127999-G-A.
Other names: c.834G>A, p.Met278Ile (NM_015243.3, NM_017890.5, NM_181661.3); short protein forms M278I.
Identifiers: ClinVar variation 4634416 (VCV004634416.2).

ClinVar aggregate classification (germline): Uncertain significance. Review status: criteria provided, multiple submitters, no conflicts (2 of 4 stars). 2 submissions from 2 submitters: Uncertain significance (2). Last evaluated 2026-04-29.

Conditions:
Inborn genetic diseases. Identifiers: MedGen C0950123, MeSH D030342.
VPS13B-related disorder. Also called: VPS13B-related condition.

gnomAD v4.1: 3 of 1,613,640 alleles (0.00019%); highest among the groups gnomAD compares: Admixed American, 0.0017%; no homozygotes.

Submissions (2):

PreventionGenetics, part of Exact Sciences
Classification: Uncertain significance for VPS13B-related condition. Last evaluated: 2026-04-29. Review status: criteria provided, single submitter. Criteria: ACMG Guidelines, 2015. Collection method: clinical testing. Allele origin: germline.
Comment: The VPS13B c.834G>A variant is predicted to result in the amino acid substitution p.Met278Ile. To our knowledge, this variant has not been reported in the literature. This variant is reported in 0.0062% of alleles in individuals of African descent in gnomAD. At this time, the clinical significance of this variant is uncertain due to the absence of conclusive functional and genetic evidence.

Ambry Genetics
Classification: Uncertain significance for Inborn genetic diseases. Last evaluated: 2025-10-14. Review status: criteria provided, single submitter. Criteria: Ambry Variant Classification Scheme 2023. Collection method: clinical testing. Allele origin: germline.